The following is an entry in ClinVar:

NM_031935.3(HMCN1):c.10520T>C (p.Ile3507Thr)

Gene: HMCN1 (hemicentin 1; plus strand). Cytogenetic location: 1q31.1.
Variant type: single nucleotide variant.
Coding change: c.10520T>C on transcript NM_031935.3 (MANE Select); coding-DNA position 10520, T replaced by C.
Protein change: p.Ile3507Thr; replaces isoleucine 3507 with threonine.
Molecular consequence: missense variant.
Genome position (GRCh38, 1-based): chr1:186,095,468, T>C. VCF-style: chr1-186095468-T-C. GRCh37 (hg19) VCF-style: chr1-186064600-T-C.
Other names: short protein forms I3507T.
Identifiers: ClinVar variation 3614110 (VCV003614110.2).
Genomic context (GRCh38, chr1:186,095,468, plus strand): 5'-ATGGAATGGTCCTGCAGCTCCTCAAAGCAGAGACTGAAGATTCGGGAAAGTACACCTGCA[T>C]TGCCTCAAATGAAGCTGGAGAAGTCAGCAAGCACTTTATCCTCAAGGTCCTAGGTATGTA-3'
Protein context (NP_114141.2, residues 3497-3517): ETEDSGKYTC[Ile3507Thr]ASNEAGEVSK

ClinVar aggregate classification (germline): Uncertain significance (1 of 4 stars; one submission).

gnomAD v4.1: 22 of 1,613,560 alleles (0.0014%); highest among the groups gnomAD compares: Non-Finnish European, 0.0019%; no homozygotes.

Submission:

Labcorp Genetics (formerly Invitae), Labcorp
Classification: Uncertain significance. Last evaluated: 2024-06-12. Review status: criteria provided, single submitter. Criteria: Invitae Variant Classification Sherloc (09022015). Collection method: clinical testing. Allele origin: germline.
Comment: This sequence change replaces isoleucine, which is neutral and non-polar, with threonine, which is neutral and polar, at codon 3507 of the HMCN1 protein (p.Ile3507Thr). This variant is present in population databases (rs749300263, gnomAD 0.003%). This variant has not been reported in the literature in individuals affected with HMCN1-related conditions. Algorithms developed to predict the effect of missense changes on protein structure and function output the following: SIFT: "Not Available"; PolyPhen-2: "Benign"; Align-GVGD: "Not Available". The threonine amino acid residue is found in multiple mammalian species, which suggests that this missense change does not adversely affect protein function. In summary, the available evidence is currently insufficient to determine the role of this variant in disease. Therefore, it has been classified as a Variant of Uncertain Significance.